The following is an entry in ClinVar:

ClinVar aggregate classification (germline): Likely benign. Review status: criteria provided, single submitter (1 of 4 stars). 2 submissions from 2 submitters: Likely benign (1). 1 of the submissions does not count toward it. Last evaluated 2025-09-15.

Conditions:
SKIC3-related disorder. Also called: SKIC3-related condition.

Allele frequency attached by ClinVar (database versions not stated): TOPMed below 0.00001; gnomAD 0.00001.
gnomAD v4.1: 61 of 1,613,664 alleles (0.0038%); highest among the groups gnomAD compares: Non-Finnish European, 0.005%; no homozygotes.

Submissions (2):

Labcorp Genetics (formerly Invitae), Labcorp
Classification: Likely benign. Last evaluated: 2025-09-15. Review status: criteria provided, single submitter. Criteria: Invitae Variant Classification Sherloc (09022015). Collection method: clinical testing. Allele origin: germline.

PreventionGenetics, part of Exact Sciences
Classification: Likely benign for SKIC3-related condition. Last evaluated: 2022-06-21. Review status: no assertion criteria provided. Collection method: clinical testing. Allele origin: germline. Not counted in ClinVar's aggregate classification.
Comment: This variant is classified as likely benign based on ACMG/AMP sequence variant interpretation guidelines (Richards et al. 2015 PMID: 25741868, with internal and published modifications).

NM_014639.4(SKIC3):c.543+10C>T

Gene: SKIC3 (SKI3 subunit of superkiller complex; minus strand). Cytogenetic location: 5q15.
Variant type: single nucleotide variant.
Coding change: c.543+10C>T on transcript NM_014639.4 (MANE Select); 10 bases into the intron after coding-DNA position 543, C replaced by T.
Molecular consequence: intron variant.
Genome position (GRCh38, 1-based): chr5:95,540,680, G>A on the plus strand (C>T on the coding strand, the complement: SKIC3 is on the minus strand). VCF-style: chr5-95540680-G-A. GRCh37 (hg19) VCF-style: chr5-94876384-G-A.
Other names: c.543+10C>T (NM_014639.3).
Identifiers: ClinVar variation 1593266 (VCV001593266.10), dbSNP rs754899049, ClinGen allele CA3347589.